The following is an entry in ClinVar:

ClinVar aggregate classification (germline): Uncertain significance (1 of 4 stars; one submission).

Conditions:
Inborn genetic diseases. Identifiers: MedGen C0950123, MeSH D030342.

Allele frequency attached by ClinVar (database versions not stated): gnomAD 0.00001; gnomAD exomes 0.00001; ExAC 0.00002; TOPMed 0.00002.
gnomAD v4.1: 12 of 1,612,524 alleles (0.00074%); highest among the groups gnomAD compares: Admixed American, 0.02%; no homozygotes.

Submission:

Ambry Genetics
Classification: Uncertain significance for Inborn genetic diseases. Last evaluated: 2021-02-11. Review status: criteria provided, single submitter. Criteria: Ambry Variant Classification Scheme 2023. Collection method: clinical testing. Allele origin: germline.
Comment: The c.1385+4A>G intronic alteration consists of a A to G substitution nucleotides after coding exon 14 in the MED23 gene. Based on data from the Genome Aggregation Database (gnomAD) database, the MED23 c.1385+4A>G alteration was observed in <0.01% (11/251058) of total alleles studied, with a frequency of 0.03% (11/34540) in the Latino subpopulation. In silico splice site analysis for this alteration is inconclusive. Based on insufficient or conflicting evidence, the clinical significance of this alteration remains unclear.

NM_004830.4(MED23):c.1367+4A>G

Gene: MED23 (mediator complex subunit 23; minus strand). Cytogenetic location: 6q23.2.
Variant type: single nucleotide variant.
Coding change: c.1367+4A>G on transcript NM_004830.4 (MANE Select); 4 bases into the intron after coding-DNA position 1367, A replaced by G.
Molecular consequence: intron variant.
Genome position (GRCh38, 1-based): chr6:131,606,475, T>C on the plus strand (A>G on the coding strand, the complement: MED23 is on the minus strand). VCF-style: chr6-131606475-T-C. GRCh37 (hg19) VCF-style: chr6-131927615-T-C.
Other names: c.1367+4A>G (NM_001270521.2, NM_001376524.1, NM_001376522.1 and 3 more transcripts); c.1385+4A>G (NM_015979.4, NM_001376517.1); c.1313+4A>G (NM_001376518.1); c.1112+4A>G (NM_001376523.1); c.1226+4A>G (NM_001376520.1).
Identifiers: ClinVar variation 1771366 (VCV001771366.2), dbSNP rs555623460, ClinGen allele CA4000013.
Genomic context (GRCh38, chr6:131,606,475, plus strand): 5'-TATTAGTCTACAATCCGCTATTAATTAAACAAGAAAATTAAGTATCAAGCAACAAATAAC[T>C]TACTCATGGTGAAGTCTTAGGGAATGAGGTATTGGAATCTGTAGCTTGGAGTTGTCATTT-3'